The following is an entry in ClinVar:

ClinVar aggregate classification (germline): Uncertain significance. Review status: criteria provided, multiple submitters, no conflicts (2 of 4 stars). 3 submissions from 3 submitters: Uncertain significance (3). Last evaluated 2022-10-23.

Conditions:
Dilated cardiomyopathy 1DD (CMD1DD). Identifiers: Orphanet 154, MedGen C2750995, MONDO:0013168, OMIM 613172.

Submissions (3):

Labcorp Genetics (formerly Invitae), Labcorp
Classification: Uncertain significance for Dilated cardiomyopathy 1DD. Last evaluated: 2022-10-23. Review status: criteria provided, single submitter. Criteria: Invitae Variant Classification Sherloc (09022015). Collection method: clinical testing. Allele origin: germline.
Comment: In summary, the available evidence is currently insufficient to determine the role of this variant in disease. Therefore, it has been classified as a Variant of Uncertain Significance. This sequence change replaces threonine, which is neutral and polar, with proline, which is neutral and non-polar, at codon 910 of the RBM20 protein (p.Thr910Pro). This variant is not present in population databases (gnomAD no frequency). This missense change has been observed in individual(s) with dilated cardiomyopathy (DCM) (PMID: 24503780, 27532257). ClinVar contains an entry for this variant (Variation ID: 43997). Advanced modeling of protein sequence and biophysical properties (such as structural, functional, and spatial information, amino acid conservation, physicochemical variation, residue mobility, and thermodynamic stability) performed at Invitae indicates that this missense variant is not expected to disrupt RBM20 protein function.

GeneDx
Classification: Uncertain significance. Last evaluated: 2016-10-10. Review status: criteria provided, single submitter. Criteria: GeneDx Variant Classification (06012015). Collection method: clinical testing. Allele origin: germline. Affected: yes.
Comment: p.Thr910Pro (ACA>CCA): c.2728 A>C in exon 11 of the RBM20 gene (NM_001134363.1). The T910P variant in the RBM20 gene has been reported previously in a patient with DCM who also harbors a variant of unknown significance in the TTN gene and two other variants of unknown significance in the RBM20 gene (Pugh T et al., 2014). The T910P variant was not observed in approximately 2,300 individuals of European and African American ancestry in the NHLBI Exome Sequencing Project, indicating it is not a common benign variant in these populations. Additionally, the T910P variant is a non-conservative amino acid substitution, which is likely to impact secondary protein structure as these residues differ in polarity, charge, size and/or other properties. This substitution occurs at a position that is highly conserved across species. Furthermore, in silico analysis predicts this variant is probably damaging to the protein structure/function. Nevertheless, no missense mutations in nearby residues have been reported in association with DCM, indicating this region of the protein may be tolerant of this change. Therefore, based on the currently available information, it is unclear whether this variant is a pathogenic mutation or a rare benign variant. The variant is found in CARDIOMYOPATHY panel(s).

Laboratory for Molecular Medicine, Mass General Brigham Personalized Medicine
Classification: Uncertain significance. Last evaluated: 2013-09-13. Review status: criteria provided, single submitter. Criteria: LMM Criteria. Collection method: clinical testing. Allele origin: germline. Observed: 2 variant alleles.
Comment: proposed classification - variant undergoing re-assessment, contact laboratory

Literature cited by the submitters: PubMed 24503780 (cited by Labcorp Genetics (formerly Invitae), Labcorp); PubMed 27532257 (cited by Labcorp Genetics (formerly Invitae), Labcorp).

NM_001134363.3(RBM20):c.2728A>C (p.Thr910Pro)

Gene: RBM20 (RNA binding motif protein 20; plus strand). Cytogenetic location: 10q25.2.
Variant type: single nucleotide variant.
Coding change: c.2728A>C on transcript NM_001134363.3 (MANE Select); coding-DNA position 2728, A replaced by C.
Protein change: p.Thr910Pro; replaces threonine 910 with proline.
Molecular consequence: missense variant.
Genome position (GRCh38, 1-based): chr10:110,821,347, A>C. VCF-style: chr10-110821347-A-C. GRCh37 (hg19) VCF-style: chr10-112581105-A-C.
Other names: p.T910P:ACA>CCA; short protein forms T910P.
Identifiers: ClinVar variation 43997 (VCV000043997.13), dbSNP rs397516606, ClinGen allele CA133335.